The following is an entry in ClinVar:

NM_001375524.1(TRRAP):c.5055G>C (p.Glu1685Asp)

Genes: TRRAP (transformation/transcription domain associated protein; plus strand), LOC126860121 (MED14-independent group 3 enhancer GRCh37_chr7:98547245-98548444; plus strand). Cytogenetic location: 7q22.1.
Variant type: single nucleotide variant.
Coding change: c.5055G>C on transcript NM_001375524.1 (MANE Select); coding-DNA position 5055, G replaced by C.
Protein change: p.Glu1685Asp; replaces glutamic acid 1685 with aspartic acid.
Molecular consequence: missense variant.
Genome position (GRCh38, 1-based): chr7:98,949,761, G>C. VCF-style: chr7-98949761-G-C. GRCh37 (hg19) VCF-style: chr7-98547384-G-C.
Other names: c.5034G>C, p.Glu1678Asp (NM_001244580.2); c.4980G>C, p.Glu1660Asp (NM_003496.4); short protein forms E1685D, E1678D, E1660D.
Identifiers: ClinVar variation 4777592 (VCV004777592.1).
Genomic context (GRCh38, chr7:98,949,761, plus strand): 5'-CAGCCAGCACTCTCTGGTGAGCCAGTTGCGACGTGTGTGGGTGAGTGAGAACTTCCAAGA[G>C]AGGCACCGCAAGGAGAACATGGCAGCCACCAACTGGAAGGAGCCCAAGCTGCTGGCCTAC-3'
Protein context (NP_001362453.1, residues 1675-1695): RRVWVSENFQ[Glu1685Asp]RHRKENMAAT

ClinVar aggregate classification (germline): Uncertain significance (1 of 4 stars; one submission).

gnomAD v4.1: 2 of 1,613,906 alleles (0.00012%); highest among the groups gnomAD compares: Non-Finnish European, 0.00017%; no homozygotes.

Submission:

Labcorp Genetics (formerly Invitae), Labcorp
Classification: Uncertain significance. Last evaluated: 2025-03-31. Review status: criteria provided, single submitter. Criteria: Invitae Variant Classification Sherloc (09022015). Collection method: clinical testing. Allele origin: germline.
Comment: This sequence change replaces glutamic acid, which is acidic and polar, with aspartic acid, which is acidic and polar, at codon 1660 of the TRRAP protein (p.Glu1660Asp). This variant is present in population databases (rs782665209, gnomAD 0.0009%). This variant has not been reported in the literature in individuals affected with TRRAP-related conditions. Invitae Evidence Modeling of protein sequence and biophysical properties (such as structural, functional, and spatial information, amino acid conservation, physicochemical variation, residue mobility, and thermodynamic stability) indicates that this missense variant is not expected to disrupt TRRAP protein function with a negative predictive value of 80%. In summary, the available evidence is currently insufficient to determine the role of this variant in disease. Therefore, it has been classified as a Variant of Uncertain Significance.